The following is an entry in ClinVar:

ClinVar aggregate classification (germline): Uncertain significance (1 of 4 stars; one submission).

Conditions:
Perlman syndrome (PRLMNS). Identifiers: Orphanet 2849, MedGen C0796113, MONDO:0009965, OMIM 267000.

Submission:

Labcorp Genetics (formerly Invitae), Labcorp
Classification: Uncertain significance for Perlman syndrome. Last evaluated: 2025-11-09. Review status: criteria provided, single submitter. Criteria: Invitae Variant Classification Sherloc (09022015). Collection method: clinical testing. Allele origin: germline.
Comment: This sequence change replaces isoleucine, which is neutral and non-polar, with valine, which is neutral and non-polar, at codon 329 of the DIS3L2 protein (p.Ile329Val). This variant is not present in population databases (gnomAD no frequency). This variant has not been reported in the literature in individuals affected with DIS3L2-related conditions. Invitae Evidence Modeling of protein sequence and biophysical properties (such as structural, functional, and spatial information, amino acid conservation, physicochemical variation, residue mobility, and thermodynamic stability) indicates that this missense variant is not expected to disrupt DIS3L2 protein function with a negative predictive value of 80%. In summary, the available evidence is currently insufficient to determine the role of this variant in disease. Therefore, it has been classified as a Variant of Uncertain Significance.

NM_152383.5(DIS3L2):c.985A>G (p.Ile329Val)

Gene: DIS3L2 (DIS3 like 3'-5' exoribonuclease 2; plus strand). Cytogenetic location: 2q37.1.
Variant type: single nucleotide variant.
Coding change: c.985A>G on transcript NM_152383.5 (MANE Select); coding-DNA position 985, A replaced by G.
Protein change: p.Ile329Val; replaces isoleucine 329 with valine.
Molecular consequence: missense variant. On other transcripts: non-coding transcript variant (2).
Genome position (GRCh38, 1-based): chr2:232,163,493, A>G. VCF-style: chr2-232163493-A-G. GRCh37 (hg19) VCF-style: chr2-233028203-A-G.
Other names: c.985A>G, p.Ile329Val (NM_001257281.2); short protein forms I329V.
Identifiers: ClinVar variation 4761424 (VCV004761424.1).